The following is an entry in ClinVar:

NM_178822.5(IGSF10):c.7749G>C (p.Gln2583His)

Gene: IGSF10 (immunoglobulin superfamily member 10; minus strand). Cytogenetic location: 3q25.1.
Variant type: single nucleotide variant.
Coding change: c.7749G>C on transcript NM_178822.5 (MANE Select); coding-DNA position 7749, G replaced by C.
Protein change: p.Gln2583His; replaces glutamine 2583 with histidine.
Molecular consequence: missense variant.
Genome position (GRCh38, 1-based): chr3:151,436,812, C>G on the plus strand (G>C on the coding strand, the complement: IGSF10 is on the minus strand). VCF-style: chr3-151436812-C-G. GRCh37 (hg19) VCF-style: chr3-151154600-C-G.
Other names: c.1686G>C, p.Gln562His (NM_001178145.3, NM_001178146.3); c.7749G>C, p.Gln2583His (NM_001385060.1, NM_001385061.1, NM_001385062.1 and 1 more transcripts); short protein forms Q2583H, Q562H.
Identifiers: ClinVar variation 4681765 (VCV004681765.5).
Genomic context (GRCh38, chr3:151,436,812, plus strand): 5'-GTATATCCCAGAATCGGAGGTTTGGGGATTCTGAATGACTAGGGTACCTTGTAAGTGAAG[C>G]TGCTCACTTCCATGTGTCCTCTCTTTACTTGCCGTTGAGAGAAGGGAGTGGTCAGGCATC-3'
Protein context (NP_849144.2, residues 2573-2593): ASKERTHGSE[Gln2583His]LHLQGTLVIQ

ClinVar aggregate classification (germline): Likely benign (1 of 4 stars; one submission).

gnomAD v4.1: 15 of 1,613,804 alleles (0.00093%); highest among the groups gnomAD compares: Non-Finnish European, 0.0012%; no homozygotes.

Submission:

CeGaT Center for Human Genetics Tuebingen
Classification: Likely benign. Last evaluated: 2025-12-01. Review status: criteria provided, single submitter. Criteria: CeGaT Center For Human Genetics Tuebingen Variant Classification Criteria Version 2. Collection method: clinical testing. Allele origin: germline. Affected: yes. Observed: 1 variant allele.
Comment: IGSF10: BP4